The following is an entry in ClinVar:

ClinVar aggregate classification (germline): Uncertain significance (1 of 4 stars; one submission).

Submission:

GeneDx
Classification: Uncertain significance. Last evaluated: 2020-10-16. Review status: criteria provided, single submitter. Criteria: GeneDx Variant Classification Process June 2021. Collection method: clinical testing. Allele origin: germline. Affected: yes.
Comment: Not observed in large population cohorts (Lek et al., 2016); In silico analysis supports that this missense variant does not alter protein structure/function; Has not been previously published as pathogenic or benign to our knowledge

NM_001197104.2(KMT2A):c.10834G>A (p.Gly3612Arg)

Gene: KMT2A (lysine methyltransferase 2A; plus strand). Cytogenetic location: 11q23.3.
Variant type: single nucleotide variant.
Coding change: c.10834G>A on transcript NM_001197104.2 (MANE Select); coding-DNA position 10834, G replaced by A.
Protein change: p.Gly3612Arg; replaces glycine 3612 with arginine.
Molecular consequence: missense variant.
Genome position (GRCh38, 1-based): chr11:118,507,608, G>A. VCF-style: chr11-118507608-G-A. GRCh37 (hg19) VCF-style: chr11-118378323-G-A.
Other names: c.10825G>A, p.Gly3609Arg (NM_005933.4); short protein forms G3609R, G3612R.
Identifiers: ClinVar variation 1313387 (VCV001313387.2), dbSNP rs2134419770, ClinGen allele CA382827939.